The following is an entry in ClinVar:

ClinVar aggregate classification (germline): Uncertain significance (1 of 4 stars; one submission).

Allele frequency attached by ClinVar (database versions not stated): gnomAD exomes below 0.00001; gnomAD 0.00001; TOPMed 0.00001.
gnomAD v4.1: 2 of 1,613,564 alleles (0.00012%); highest among the groups gnomAD compares: African/African-American, 0.0013%; no homozygotes.

Submission:

Labcorp Genetics (formerly Invitae), Labcorp
Classification: Uncertain significance. Last evaluated: 2023-04-09. Review status: criteria provided, single submitter. Criteria: Invitae Variant Classification Sherloc (09022015). Collection method: clinical testing. Allele origin: germline.
Comment: ClinVar contains an entry for this variant (Variation ID: 1961219). In summary, the available evidence is currently insufficient to determine the role of this variant in disease. Therefore, it has been classified as a Variant of Uncertain Significance. An algorithm developed to predict the effect of missense changes on protein structure and function (PolyPhen-2) suggests that this variant is likely to be tolerated. This variant has not been reported in the literature in individuals affected with IFT88-related conditions. This variant is not present in population databases (gnomAD no frequency). This sequence change replaces asparagine, which is neutral and polar, with serine, which is neutral and polar, at codon 782 of the IFT88 protein (p.Asn782Ser).

NM_006531.5(IFT88):c.2318A>G (p.Asn773Ser)

Gene: IFT88 (intraflagellar transport 88; plus strand). Cytogenetic location: 13q12.11.
Variant type: single nucleotide variant.
Coding change: c.2318A>G on transcript NM_006531.5 (MANE Select); coding-DNA position 2318, A replaced by G.
Protein change: p.Asn773Ser; replaces asparagine 773 with serine.
Molecular consequence: missense variant. On other transcripts: non-coding transcript variant (4), intron variant (5).
Genome position (GRCh38, 1-based): chr13:20,690,780, A>G. VCF-style: chr13-20690780-A-G. GRCh37 (hg19) VCF-style: chr13-21264919-A-G.
Other names: c.2261A>G, p.Asn754Ser (NM_001318491.2); c.2345A>G, p.Asn782Ser (NM_001318493.2, NM_001353565.2, NM_001353566.2 and 2 more transcripts); c.2318A>G, p.Asn773Ser (NM_001353568.2); c.2243A>G, p.Asn748Ser (NM_001353569.2, NM_001353570.2); c.2216A>G, p.Asn739Ser (NM_001353571.2); c.2174A>G, p.Asn725Ser (NM_001353573.2); c.2159A>G, p.Asn720Ser (NM_001353574.2); c.1685A>G, p.Asn562Ser (NM_001353579.2); and 4 more; short protein forms N562S, N782S, N739S, N748S, N720S, N754S, N773S, N725S.
Identifiers: ClinVar variation 1961219 (VCV001961219.5), dbSNP rs1246663885, ClinGen allele CA387475264.